The following is an entry in ClinVar:

ClinVar aggregate classification (germline): Uncertain significance. Review status: criteria provided, multiple submitters, no conflicts (2 of 4 stars). 2 submissions from 2 submitters: Uncertain significance (2). Last evaluated 2025-05-18.

Conditions:
Inborn genetic diseases. Identifiers: MedGen C0950123, MeSH D030342.
Dyskeratosis congenita, autosomal dominant 6 (DKCA6). Identifiers: Orphanet 3322, MedGen C4225284, MONDO:0014690, OMIM 616553.

Allele frequency attached by ClinVar (database versions not stated): gnomAD exomes 0.00001; TOPMed 0.00001; ExAC 0.00003.
gnomAD v4.1: 6 of 1,613,258 alleles (0.00037%); highest among the groups gnomAD compares: Non-Finnish European, 0.00051%; no homozygotes.

Submissions (2):

Labcorp Genetics (formerly Invitae), Labcorp
Classification: Uncertain significance for Dyskeratosis congenita, autosomal dominant 6. Last evaluated: 2025-05-18. Review status: criteria provided, single submitter. Criteria: Invitae Variant Classification Sherloc (09022015). Collection method: clinical testing. Allele origin: germline.
Comment: This sequence change replaces threonine, which is neutral and polar, with alanine, which is neutral and non-polar, at codon 214 of the ACD protein (p.Thr214Ala). This variant is present in population databases (rs748654119, gnomAD 0.004%). This variant has not been reported in the literature in individuals affected with ACD-related conditions. ClinVar contains an entry for this variant (Variation ID: 1753365). Invitae Evidence Modeling of protein sequence and biophysical properties (such as structural, functional, and spatial information, amino acid conservation, physicochemical variation, residue mobility, and thermodynamic stability) indicates that this missense variant is not expected to disrupt ACD protein function with a negative predictive value of 80%. In summary, the available evidence is currently insufficient to determine the role of this variant in disease. Therefore, it has been classified as a Variant of Uncertain Significance.

Ambry Genetics
Classification: Uncertain significance for Inborn genetic diseases. Last evaluated: 2024-10-08. Review status: criteria provided, single submitter. Criteria: Ambry Variant Classification Scheme 2023. Collection method: clinical testing. Allele origin: germline.
Comment: The p.T214A variant (also known as c.640A>G), located in coding exon 4 of the ACD gene, results from an A to G substitution at nucleotide position 640. The threonine at codon 214 is replaced by alanine, an amino acid with similar properties. This amino acid position is conserved. In addition, this alteration is predicted to be tolerated by in silico analysis. Since supporting evidence is limited at this time, the clinical significance of this alteration remains unclear.

NM_001082486.2(ACD):c.382A>G (p.Thr128Ala)

Gene: ACD (ACD shelterin complex subunit and telomerase recruitment factor; minus strand). Cytogenetic location: 16q22.1.
Variant type: single nucleotide variant.
Coding change: c.382A>G on transcript NM_001082486.2 (MANE Select); coding-DNA position 382, A replaced by G.
Protein change: p.Thr128Ala; replaces threonine 128 with alanine.
Molecular consequence: missense variant.
Genome position (GRCh38, 1-based): chr16:67,659,568, T>C on the plus strand (A>G on the coding strand, the complement: ACD is on the minus strand). VCF-style: chr16-67659568-T-C. GRCh37 (hg19) VCF-style: chr16-67693471-T-C.
Other names: c.382A>G, p.Thr128Ala (NM_001410884.1); c.373A>G, p.Thr125Ala (NM_022914.3); short protein forms T128A, T125A.
Identifiers: ClinVar variation 1753365 (VCV001753365.4), dbSNP rs748654119, ClinGen allele CA8114723.